The following is an entry in ClinVar:

ClinVar aggregate classification (germline): Uncertain significance. Review status: criteria provided, multiple submitters, no conflicts (2 of 4 stars). 8 submissions from 6 submitters: Uncertain significance (6). 2 of the submissions do not count toward it. Last evaluated 2026-01-27.

Conditions:
Retinal dystrophy. Also called: Inherited retinal dystrophy. Identifiers: Orphanet 71862, MedGen C0854723, MeSH D058499, MONDO:0019118, HP:0000556.
Leber congenital amaurosis 8 (LCA8). Identifiers: Orphanet 65, MedGen C3151202, MONDO:0013453, OMIM 613835.
Retinitis pigmentosa 12 (RP12). Also called: RP WITH OR WITHOUT PPRPE; RP WITH OR WITHOUT PRESERVED PARAARTERIOLE RETINAL PIGMENT EPITHELIUM; RETINITIS PIGMENTOSA WITH OR WITHOUT PARAARTERIOLAR PRESERVATION OF RETINAL PIGMENT EPITHELIUM. Identifiers: Orphanet 791, MedGen C1838647, MONDO:0010818, OMIM 600105.
Pigmented paravenous retinochoroidal atrophy. Identifiers: Orphanet 251295, MedGen C1868310, MONDO:0008246, OMIM 172870.

Allele frequency attached by ClinVar (database versions not stated): gnomAD exomes below 0.00001.
gnomAD v4.1: 2 of 1,614,202 alleles (0.00012%); highest among the groups gnomAD compares: Non-Finnish European, 0.00017%; no homozygotes.

Submissions (8):

Labcorp Genetics (formerly Invitae), Labcorp
Classification: Uncertain significance for Leber congenital amaurosis 8; Retinitis pigmentosa 12. Last evaluated: 2026-01-27. Review status: criteria provided, single submitter. Criteria: Invitae Variant Classification Sherloc (09022015). Collection method: clinical testing. Allele origin: germline.
Comment: This sequence change replaces asparagine, which is neutral and polar, with lysine, which is basic and polar, at codon 341 of the CRB1 protein (p.Asn341Lys). This variant is present in population databases (no rsID available, gnomAD 0.0009%). This variant has not been reported in the literature in individuals affected with CRB1-related conditions. ClinVar contains an entry for this variant (Variation ID: 424924). Invitae Evidence Modeling of protein sequence and biophysical properties (such as structural, functional, and spatial information, amino acid conservation, physicochemical variation, residue mobility, and thermodynamic stability) indicates that this missense variant is not expected to disrupt CRB1 protein function with a negative predictive value of 95%. In summary, the available evidence is currently insufficient to determine the role of this variant in disease. Therefore, it has been classified as a Variant of Uncertain Significance.

Dasa
Classification: Uncertain significance. Last evaluated: 2025-09-16. Review status: criteria provided, single submitter. Criteria: DASA Assertion Criteria. Collection method: clinical testing. Allele origin: germline.
Comment: NM_201253.3(CRB1):c.1023T>A (p.Asn341Lys) is a missense variant that results in the substitution of asparagine with lysine. The affected residue or protein region has prior evidence supporting clinical relevance. This variant is rare in population databases. The currently available literature and clinical evidence are not sufficient to establish a definitive association between this variant and the reported condition. Therefore, this variant is classified as a variant of uncertain significance.

Genome-Nilou Lab
Classification: Uncertain significance for Leber congenital amaurosis 8. Last evaluated: 2023-04-11. Review status: criteria provided, single submitter. Criteria: ACMG Guidelines, 2015. Collection method: clinical testing. Allele origin: germline. Affected: no.

Genome-Nilou Lab
Classification: Uncertain significance for Pigmented paravenous retinochoroidal atrophy. Last evaluated: 2023-04-11. Review status: criteria provided, single submitter. Criteria: ACMG Guidelines, 2015. Collection method: clinical testing. Allele origin: germline. Affected: no.

Genome-Nilou Lab
Classification: Uncertain significance for Retinitis pigmentosa 12. Last evaluated: 2023-04-11. Review status: criteria provided, single submitter. Criteria: ACMG Guidelines, 2015. Collection method: clinical testing. Allele origin: germline. Affected: no.

CeGaT Center for Human Genetics Tuebingen
Classification: Uncertain significance. Last evaluated: 2016-11-01. Review status: criteria provided, single submitter. Criteria: CeGaT Center For Human Genetics Tuebingen Variant Classification Criteria Version 2. Collection method: clinical testing. Allele origin: germline. Affected: yes. Observed: 1 variant allele.

Institute of Human Genetics, Univ. Regensburg, Univ. Regensburg
Classification: Uncertain significance for Retinal dystrophy. Last evaluated: 2021-01-01. Review status: no assertion criteria provided. Criteria: ACMG Guidelines, 2015. Collection method: clinical testing. Allele origin: germline. Affected: yes. Not counted in ClinVar's aggregate classification.

Laboratory of Genetics in Ophthalmology, Institut Imagine
Classification: Uncertain significance for Leber congenital amaurosis 8. Review status: no assertion criteria provided. Collection method: research. Allele origin: inherited. Affected: yes. Observed: 1 variant allele. Not counted in ClinVar's aggregate classification.

NM_201253.3(CRB1):c.1023T>A (p.Asn341Lys)

Gene: CRB1 (crumbs cell polarity complex component 1; plus strand). Cytogenetic location: 1q31.3.
Variant type: single nucleotide variant.
Coding change: c.1023T>A on transcript NM_201253.3 (MANE Select); coding-DNA position 1023, T replaced by A.
Protein change: p.Asn341Lys; replaces asparagine 341 with lysine.
Molecular consequence: missense variant. On other transcripts: non-coding transcript variant (2).
Genome position (GRCh38, 1-based): chr1:197,356,865, T>A. VCF-style: chr1-197356865-T-A. GRCh37 (hg19) VCF-style: chr1-197325995-T-A.
Other names: c.687T>A, p.Asn229Lys (NM_001193640.2); c.816T>A, p.Asn272Lys (NM_001257965.2); c.1023T>A, p.Asn341Lys (NM_001257966.2); short protein forms N341K, N229K, N272K.
Identifiers: ClinVar variation 424924 (VCV000424924.51), dbSNP rs1064797127, ClinGen allele CA16621583.
Genomic context (GRCh38, chr1:197,356,865, plus strand): 5'-AGCTTCTCTGAATTTTCATCATGCAGGATACACAGGTGCCCAGTGTGAGATCGACCTCAA[T>A]GAATGCAATAGTAACCCCTGCCAGTCCAATGGGGAATGTGTGGAGCTGTCCTCAGAGAAA-3'
Protein context (NP_957705.1, residues 331-351): YTGAQCEIDL[Asn341Lys]ECNSNPCQSN